The following is an entry in ClinVar:

ClinVar aggregate classification (germline): Pathogenic (1 of 4 stars; one submission).

Submission:

Labcorp Genetics (formerly Invitae), Labcorp
Classification: Pathogenic. Last evaluated: 2024-10-28. Review status: criteria provided, single submitter. Criteria: Invitae Variant Classification Sherloc (09022015). Collection method: clinical testing. Allele origin: germline.
Comment: This sequence change creates a premature translational stop signal (p.Gln140*) in the UCHL1 gene. It is expected to result in an absent or disrupted protein product. Loss-of-function variants in UCHL1 are known to be pathogenic (PMID: 35986737). This variant is not present in population databases (gnomAD no frequency). This variant has not been reported in the literature in individuals affected with UCHL1-related conditions. For these reasons, this variant has been classified as Pathogenic.

Literature cited by the submitters: PubMed 35986737.

NM_004181.5(UCHL1):c.418C>T (p.Gln140Ter)

Gene: UCHL1 (ubiquitin C-terminal hydrolase L1; plus strand). Cytogenetic location: 4p13.
Variant type: single nucleotide variant.
Coding change: c.418C>T on transcript NM_004181.5 (MANE Select); coding-DNA position 418, C replaced by T.
Protein change: p.Gln140Ter; replaces glutamine 140 with a stop codon.
Molecular consequence: nonsense.
Genome position (GRCh38, 1-based): chr4:41,261,882, C>T. VCF-style: chr4-41261882-C-T. GRCh37 (hg19) VCF-style: chr4-41263899-C-T.
Other names: short protein forms Q140*.
Identifiers: ClinVar variation 3650800 (VCV003650800.2).